The following is an entry in ClinVar:

NM_001130438.3(SPTAN1):c.6424C>T (p.Arg2142Cys)

Gene: SPTAN1 (spectrin alpha, non-erythrocytic 1; plus strand). Cytogenetic location: 9q34.11.
Variant type: single nucleotide variant.
Coding change: c.6424C>T on transcript NM_001130438.3 (MANE Select); coding-DNA position 6424, C replaced by T.
Protein change: p.Arg2142Cys; replaces arginine 2142 with cysteine.
Molecular consequence: missense variant.
Genome position (GRCh38, 1-based): chr9:128,626,535, C>T. VCF-style: chr9-128626535-C-T. GRCh37 (hg19) VCF-style: chr9-131388814-C-T.
Other names: p.R2142C:CGC>TGC; c.6349C>T, p.Arg2117Cys (NM_001195532.2); c.6424C>T, p.Arg2142Cys (NM_001363759.2); c.6364C>T, p.Arg2122Cys (NM_001363765.2); c.6409C>T, p.Arg2137Cys (NM_003127.4); short protein forms R2142C, R2122C, R2117C, R2137C.
Identifiers: ClinVar variation 207352 (VCV000207352.52), dbSNP rs796053323, ClinGen allele CA318734.
Genomic context (GRCh38, chr9:128,626,535, plus strand): 5'-CCCGTGCGCTGCAACTCCTTGGAAGAAATCAAAGCTTTGCGCGAGGCCCACGACGCCTTC[C>T]GCTCCTCCCTCAGCTCTGCCCAGGCTGACTTCAACCAGCTGGCCGAGCTGGACCGCCAGA-3'
Protein context (NP_001123910.1, residues 2132-2152): KALREAHDAF[Arg2142Cys]SSLSSAQADF

ClinVar aggregate classification (germline): Conflicting classifications of pathogenicity. Review status: criteria provided, conflicting classifications (1 of 4 stars). 5 submissions from 5 submitters: Uncertain significance (4); Likely benign (1). Last evaluated 2021-07-15.

Conditions:
Developmental and epileptic encephalopathy. Identifiers: MedGen C5779964, MONDO:0100620.
Developmental and epileptic encephalopathy, 5 (DEE5). Identifiers: Orphanet 3451, MedGen C3150731, MONDO:0013277, OMIM 613477.

Allele frequency attached by ClinVar (database versions not stated): gnomAD exomes 0.00001; gnomAD 0.00002; TOPMed 0.00002.
gnomAD v4.1: 12 of 1,614,062 alleles (0.00074%); highest among the groups gnomAD compares: African/African-American, 0.0027%; no homozygotes.

Submissions (5):

Genome-Nilou Lab
Classification: Uncertain significance for Developmental and epileptic encephalopathy, 5. Last evaluated: 2021-07-15. Review status: criteria provided, single submitter. Criteria: ACMG Guidelines, 2015. Collection method: clinical testing. Allele origin: germline. Affected: no.

Revvity Omics, Revvity
Classification: Uncertain significance. Last evaluated: 2019-11-27. Review status: criteria provided, single submitter. Criteria: ACMG Guidelines, 2015. Collection method: clinical testing. Allele origin: germline.

Labcorp Genetics (formerly Invitae), Labcorp
Classification: Likely benign for Early infantile epileptic encephalopathy with suppression bursts. Last evaluated: 2019-10-03. Review status: criteria provided, single submitter. Criteria: Invitae Variant Classification Sherloc (09022015). Collection method: clinical testing. Allele origin: germline.

CeGaT Center for Human Genetics Tuebingen
Classification: Uncertain significance. Last evaluated: 2016-05-01. Review status: criteria provided, single submitter. Criteria: CeGaT Center For Human Genetics Tuebingen Variant Classification Criteria Version 2. Collection method: clinical testing. Allele origin: germline. Affected: yes. Observed: 1 variant allele.

GeneDx
Classification: Uncertain significance. Last evaluated: 2014-07-01. Review status: criteria provided, single submitter. Criteria: GeneDx Variant Classification (06012015). Collection method: clinical testing. Allele origin: germline. Affected: yes.
Comment: p.Arg2142Cys (CGC>TGC): c.6424 C>T in exon 49 of the SPTAN1 gene (NM_001130438.2) The R2142C variant has not been published as a mutation, nor has it been reported as a benign polymorphism to our knowledge. It was not observed in approximately 6,500 individuals of European and African American ancestry in the NHLBI Exome Sequencing Project, indicating it is not a common benign variant in these populations. The R2142C variant is a non-conservative amino acid substitution, which is likely to impact secondary protein structure as these residues differ in polarity, charge, size and/or other properties. This substitution occurs at a position that is conserved across species, and in silico analysis predicts this variant is probably damaging to the protein structure/function. Previously reported pathogenic mutations in SPTAN1 include in-frame deletions or duplications located within the last four spectrin repeats of the protein, which are essential for dimerization (Saitsu et al., 2010), and Arg2142 is predicted to be in spectrin 22, which is in this region of the protein. Therefore, based on the currently available information, it is unclear whether this variant is a pathogenic mutation or a rare benign variant. The variant is found in EPILEPSY panel(s).